The following is an entry in ClinVar:

NM_005257.6(GATA6):c.929A>C (p.Tyr310Ser)

Gene: GATA6 (GATA binding protein 6; plus strand). Cytogenetic location: 18q11.2.
Variant type: single nucleotide variant.
Coding change: c.929A>C on transcript NM_005257.6 (MANE Select); coding-DNA position 929, A replaced by C.
Protein change: p.Tyr310Ser; replaces tyrosine 310 with serine.
Molecular consequence: missense variant.
Genome position (GRCh38, 1-based): chr18:22,172,073, A>C. VCF-style: chr18-22172073-A-C. GRCh37 (hg19) VCF-style: chr18-19752034-A-C.
Other names: short protein forms Y310S.
Identifiers: ClinVar variation 2919903 (VCV002919903.3), dbSNP rs2033059520, ClinGen allele CA401801429.

ClinVar aggregate classification (germline): Uncertain significance (1 of 4 stars; one submission).

Conditions:
Atrioventricular septal defect 5 (AVSD5). Identifiers: MedGen C3280939, MONDO:0013769, OMIM 614474.

Allele frequency attached by ClinVar (database versions not stated): TOPMed 0.00001.

Submission:

Labcorp Genetics (formerly Invitae), Labcorp
Classification: Uncertain significance for Atrioventricular septal defect 5. Last evaluated: 2023-03-20. Review status: criteria provided, single submitter. Criteria: Invitae Variant Classification Sherloc (09022015). Collection method: clinical testing. Allele origin: germline.
Comment: This sequence change replaces tyrosine, which is neutral and polar, with serine, which is neutral and polar, at codon 310 of the GATA6 protein (p.Tyr310Ser). This variant is not present in population databases (gnomAD no frequency). In summary, the available evidence is currently insufficient to determine the role of this variant in disease. Therefore, it has been classified as a Variant of Uncertain Significance. Advanced modeling of protein sequence and biophysical properties (such as structural, functional, and spatial information, amino acid conservation, physicochemical variation, residue mobility, and thermodynamic stability) performed at Invitae indicates that this missense variant is not expected to disrupt GATA6 protein function. This variant has not been reported in the literature in individuals affected with GATA6-related conditions.